The following is an entry in ClinVar:

ClinVar aggregate classification (germline): Conflicting classifications of pathogenicity. Review status: criteria provided, conflicting classifications (1 of 4 stars). 2 submissions from 2 submitters: Uncertain significance (1); Likely benign (1). Last evaluated 2025-07-07.

Submissions (2):

Dasa
Classification: Uncertain significance. Last evaluated: 2025-07-07. Review status: criteria provided, single submitter. Criteria: DASA Assertion Criteria. Collection method: clinical testing. Allele origin: germline.
Comment: NM_007144.3(PCGF2):c.431G>C (p.Arg144Pro) is a missense variant that results in the substitution of arginine with proline. This variant is rare in population databases. Computational prediction algorithms are consistent with a benign effect. The currently available literature and clinical evidence are not sufficient to establish a definitive association between this variant and the reported condition. Therefore, this variant is classified as a variant of uncertain significance.

Labcorp Genetics (formerly Invitae), Labcorp
Classification: Likely benign. Last evaluated: 2024-07-29. Review status: criteria provided, single submitter. Criteria: Invitae Variant Classification Sherloc (09022015). Collection method: clinical testing. Allele origin: germline.

NM_007144.3(PCGF2):c.431G>C (p.Arg144Pro)

Gene: PCGF2 (polycomb group ring finger 2; minus strand). Cytogenetic location: 17q12.
Variant type: single nucleotide variant.
Coding change: c.431G>C on transcript NM_007144.3 (MANE Select); coding-DNA position 431, G replaced by C.
Protein change: p.Arg144Pro; replaces arginine 144 with proline.
Molecular consequence: missense variant.
Genome position (GRCh38, 1-based): chr17:38,738,590, C>G on the plus strand (G>C on the coding strand, the complement: PCGF2 is on the minus strand). VCF-style: chr17-38738590-C-G. GRCh37 (hg19) VCF-style: chr17-36894843-C-G.
Other names: c.431G>C, p.Arg144Pro (NM_001369614.1, NM_001369615.1); short protein forms R144P.
Identifiers: ClinVar variation 2028574 (VCV002028574.6), dbSNP rs773410790, ClinGen allele CA398821767.